The following is an entry in ClinVar:

NM_001042603.3(KDM5A):c.99C>T (p.Leu33=)

Gene: KDM5A (lysine demethylase 5A; minus strand). Cytogenetic location: 12p13.33.
Variant type: single nucleotide variant.
Coding change: c.99C>T on transcript NM_001042603.3 (MANE Select); coding-DNA position 99, C replaced by T.
Protein change: p.Leu33=; no amino-acid change (leucine 33 retained).
Molecular consequence: synonymous variant.
Genome position (GRCh38, 1-based): chr12:388,993, G>A on the plus strand (C>T on the coding strand, the complement: KDM5A is on the minus strand). VCF-style: chr12-388993-G-A. GRCh37 (hg19) VCF-style: chr12-498159-G-A.
Identifiers: ClinVar variation 3038049 (VCV003038049.2), dbSNP rs375515696, ClinGen allele CA6379754.

ClinVar aggregate classification (germline): Likely benign (0 of 4 stars; one submission).

Conditions:
KDM5A-related disorder. Also called: KDM5A-related condition.

Allele frequency attached by ClinVar (database versions not stated): ExAC 0.00008; gnomAD 0.00009; TOPMed 0.00012; ESP Exome Variant Server 0.00017.
gnomAD v4.1: 278 of 1,613,986 alleles (0.017%); highest among the groups gnomAD compares: Non-Finnish European, 0.022%; no homozygotes.

Submission:

PreventionGenetics, part of Exact Sciences
Classification: Likely benign for KDM5A-related condition. Last evaluated: 2019-05-01. Review status: no assertion criteria provided. Collection method: clinical testing. Allele origin: germline.
Comment: This variant is classified as likely benign based on ACMG/AMP sequence variant interpretation guidelines (Richards et al. 2015 PMID: 25741868, with internal and published modifications).